The following is an entry in ClinVar:

NM_002184.4(IL6ST):c.2236G>A (p.Glu746Lys)

Gene: IL6ST (interleukin 6 cytokine family signal transducer; minus strand). Cytogenetic location: 5q11.2.
Variant type: single nucleotide variant.
Coding change: c.2236G>A on transcript NM_002184.4 (MANE Select); coding-DNA position 2236, G replaced by A.
Protein change: p.Glu746Lys; replaces glutamic acid 746 with lysine.
Molecular consequence: missense variant. On other transcripts: non-coding transcript variant (2), 3 prime UTR variant (1).
Genome position (GRCh38, 1-based): chr5:55,941,603, C>T on the plus strand (G>A on the coding strand, the complement: IL6ST is on the minus strand). VCF-style: chr5-55941603-C-T. GRCh37 (hg19) VCF-style: chr5-55237431-C-T.
Other names: c.2053G>A, p.Glu685Lys (NM_001190981.2); c.2134G>A, p.Glu712Lys (NM_001364275.2); c.2026G>A, p.Glu676Lys (NM_001364276.2); c.1369G>A, p.Glu457Lys (NM_001364277.2); c.1333G>A, p.Glu445Lys (NM_001364278.2); c.1240G>A, p.Glu414Lys (NM_001364279.2); c.*1163G>A (NM_175767.3); short protein forms E746K, E457K, E685K, E676K, E414K, E445K, E712K.
Identifiers: ClinVar variation 3660366 (VCV003660366.2).

ClinVar aggregate classification (germline): Uncertain significance (1 of 4 stars; one submission).

Submission:

Labcorp Genetics (formerly Invitae), Labcorp
Classification: Uncertain significance. Last evaluated: 2024-07-23. Review status: criteria provided, single submitter. Criteria: Invitae Variant Classification Sherloc (09022015). Collection method: clinical testing. Allele origin: germline.
Comment: This sequence change replaces glutamic acid, which is acidic and polar, with lysine, which is basic and polar, at codon 746 of the IL6ST protein (p.Glu746Lys). This variant is not present in population databases (gnomAD no frequency). This variant has not been reported in the literature in individuals affected with IL6ST-related conditions. An algorithm developed to predict the effect of missense changes on protein structure and function (PolyPhen-2) suggests that this variant is likely to be disruptive. In summary, the available evidence is currently insufficient to determine the role of this variant in disease. Therefore, it has been classified as a Variant of Uncertain Significance.